The following is an entry in ClinVar:

NM_002439.5(MSH3):c.333T>A (p.Ser111Arg)

Gene: MSH3 (mutS homolog 3; plus strand). Cytogenetic location: 5q14.1.
Variant type: single nucleotide variant.
Coding change: c.333T>A on transcript NM_002439.5 (MANE Select); coding-DNA position 333, T replaced by A.
Protein change: p.Ser111Arg; replaces serine 111 with arginine.
Molecular consequence: missense variant.
Genome position (GRCh38, 1-based): chr5:80,656,506, T>A. VCF-style: chr5-80656506-T-A. GRCh37 (hg19) VCF-style: chr5-79952325-T-A.
Other names: short protein forms S111R.
Identifiers: ClinVar variation 1393733 (VCV001393733.8), dbSNP rs2112801819, ClinGen allele CA360266504.

ClinVar aggregate classification (germline): Uncertain significance (1 of 4 stars; one submission).

Submission:

Labcorp Genetics (formerly Invitae), Labcorp
Classification: Uncertain significance. Last evaluated: 2025-06-11. Review status: criteria provided, single submitter. Criteria: Invitae Variant Classification Sherloc (09022015). Collection method: clinical testing. Allele origin: germline.
Comment: This sequence change replaces serine, which is neutral and polar, with arginine, which is basic and polar, at codon 111 of the MSH3 protein (p.Ser111Arg). This variant is not present in population databases (gnomAD no frequency). This variant has not been reported in the literature in individuals affected with MSH3-related conditions. ClinVar contains an entry for this variant (Variation ID: 1393733). An algorithm developed to predict the effect of missense changes on protein structure and function (PolyPhen-2) suggests that this variant is likely to be tolerated. In summary, the available evidence is currently insufficient to determine the role of this variant in disease. Therefore, it has been classified as a Variant of Uncertain Significance.